The following is an entry in ClinVar:

ClinVar aggregate classification (germline): Uncertain significance. Review status: criteria provided, multiple submitters, no conflicts (2 of 4 stars). 8 submissions from 8 submitters: Uncertain significance (8). Last evaluated 2025-12-09.

Conditions:
Endometrial carcinoma. Also called: Endometrial carcinoma, somatic. Identifiers: MedGen C0476089, MONDO:0002447, OMIM 608089, HP:0012114.
Familial adenomatous polyposis 4 (FAP4). Also called: MSH3-related attenuated familial adenomatous polyposis. Identifiers: Orphanet 480536, MedGen C4310719, MONDO:0044300, OMIM 617100.
Hereditary cancer-predisposing syndrome. Also called: Neoplastic Syndromes, Hereditary; Tumor predisposition; Hereditary neoplastic syndrome; Hereditary Cancer Syndrome. Identifiers: Orphanet 140162, MedGen C0027672, MeSH D009386, MONDO:0015356.
MSH3-related disorder. Also called: MSH3-related condition.

Allele frequency attached by ClinVar (database versions not stated): ExAC 0.00001; gnomAD exomes 0.00001 and 0.00004; gnomAD 0.00002; TOPMed 0.00003; ESP Exome Variant Server 0.00008.
gnomAD v4.1: 56 of 1,613,504 alleles (0.0035%); highest among the groups gnomAD compares: Non-Finnish European, 0.0047%; no homozygotes.

Submissions (8):

Labcorp Genetics (formerly Invitae), Labcorp
Classification: Uncertain significance. Last evaluated: 2025-12-09. Review status: criteria provided, single submitter. Criteria: Invitae Variant Classification Sherloc (09022015). Collection method: clinical testing. Allele origin: germline.
Comment: This sequence change replaces tyrosine, which is neutral and polar, with cysteine, which is neutral and slightly polar, at codon 996 of the MSH3 protein (p.Tyr996Cys). This variant is present in population databases (rs150760023, gnomAD 0.003%). This variant has not been reported in the literature in individuals affected with MSH3-related conditions. ClinVar contains an entry for this variant (Variation ID: 643404). An algorithm developed to predict the effect of missense changes on protein structure and function (PolyPhen-2) suggests that this variant is likely to be tolerated. In summary, the available evidence is currently insufficient to determine the role of this variant in disease. Therefore, it has been classified as a Variant of Uncertain Significance.

Ambry Genetics
Classification: Uncertain significance for Hereditary cancer-predisposing syndrome. Last evaluated: 2025-09-17. Review status: criteria provided, single submitter. Criteria: Ambry Variant Classification Scheme 2023. Collection method: clinical testing. Allele origin: germline.
Comment: The p.Y996C variant (also known as c.2987A>G), located in coding exon 21 of the MSH3 gene, results from an A to G substitution at nucleotide position 2987. The tyrosine at codon 996 is replaced by cysteine, an amino acid with highly dissimilar properties. This amino acid position is poorly conserved in available vertebrate species. In addition, the in silico prediction for this alteration is inconclusive. Since supporting evidence is limited at this time, the clinical significance of this alteration remains unclear.

PreventionGenetics, part of Exact Sciences
Classification: Uncertain significance for MSH3-related condition. Last evaluated: 2025-07-14. Review status: criteria provided, single submitter. Criteria: ACMG Guidelines, 2015. Collection method: clinical testing. Allele origin: germline.
Comment: The MSH3 c.2987A>G variant is predicted to result in the amino acid substitution p.Tyr996Cys. To our knowledge, this variant has not been reported in the literature. This variant is reported in 0.0031% of alleles in individuals of European (Non-Finnish) descent in gnomAD and is interpreted as a variant of uncertain significance in ClinVar. At this time, the clinical significance of this variant is uncertain due to the absence of conclusive functional and genetic evidence.

Department of Pathology and Laboratory Medicine, Sinai Health System
Classification: Uncertain significance for Endometrial carcinoma; Familial adenomatous polyposis 4. Last evaluated: 2024-11-27. Review status: criteria provided, single submitter. Criteria: ACMG Guidelines, 2015. Collection method: clinical testing. Allele origin: germline.

Baylor Genetics
Classification: Uncertain significance for Endometrial carcinoma. Last evaluated: 2024-03-03. Review status: criteria provided, single submitter. Criteria: ACMG Guidelines, 2015. Collection method: clinical testing. Allele origin: unknown.

GeneDx
Classification: Uncertain significance. Last evaluated: 2024-02-21. Review status: criteria provided, single submitter. Criteria: GeneDx Variant Classification Process June 2021. Collection method: clinical testing. Allele origin: germline. Affected: yes.
Comment: Not observed at significant frequency in large population cohorts (gnomAD); In silico analysis supports that this missense variant has a deleterious effect on protein structure/function; Has not been previously published as pathogenic or benign to our knowledge

Blueprint Genetics
Classification: Uncertain significance. Last evaluated: 2022-10-06. Review status: criteria provided, single submitter. Criteria: ACMG Guidelines, 2015. Collection method: clinical testing. Allele origin: germline.

Sema4
Classification: Uncertain significance for Hereditary cancer-predisposing syndrome. Last evaluated: 2021-06-23. Review status: criteria provided, single submitter. Criteria: Sema4 Curation Guidelines. Collection method: curation. Allele origin: germline.
Comment: The MSH3 c.2987A>G (p.Y996C) variant has not been reported in the literature to our knowledge. It was observed in 4/128704 chromosomes of the European (non-Finnish) subpopulation in the large and broad cohorts of the Genome Aggregation Database (PMID: 32461654) and has been reported in ClinVar (Variation ID 643404). In silico tools suggest the impact of the variant on protein function is inconclusive, though these predictions have not been confirmed by functional studies. The evidence is insufficient to meet ACMG/AMP criteria for classifying the variant as benign or pathogenic. Thus, the clinical significance of this variant is currently uncertain.

NM_002439.5(MSH3):c.2987A>G (p.Tyr996Cys)

Gene: MSH3 (mutS homolog 3; plus strand). Cytogenetic location: 5q14.1.
Variant type: single nucleotide variant.
Coding change: c.2987A>G on transcript NM_002439.5 (MANE Select); coding-DNA position 2987, A replaced by G.
Protein change: p.Tyr996Cys; replaces tyrosine 996 with cysteine.
Molecular consequence: missense variant.
Genome position (GRCh38, 1-based): chr5:80,854,303, A>G. VCF-style: chr5-80854303-A-G. GRCh37 (hg19) VCF-style: chr5-80150122-A-G.
Other names: short protein forms Y996C.
Identifiers: ClinVar variation 643404 (VCV000643404.22), dbSNP rs150760023, ClinGen allele CA3328409.